The following is an entry in ClinVar:

ClinVar aggregate classification (germline): Uncertain significance. Review status: criteria provided, multiple submitters, no conflicts (2 of 4 stars). 2 submissions from 2 submitters: Uncertain significance (2). Last evaluated 2025-05-06.

Conditions:
Cardiovascular phenotype. Identifiers: MedGen CN230736.
Catecholaminergic polymorphic ventricular tachycardia 1. Also called: VENTRICULAR TACHYCARDIA, STRESS-INDUCED POLYMORPHIC 1; VENTRICULAR TACHYCARDIA, CATECHOLAMINERGIC POLYMORPHIC, 1, WITH OR WITHOUT ATRIAL DYSFUNCTION AND/OR DILATED CARDIOMYOPATHY; RYR2-Related Catecholaminergic Polymorphic Ventricular Tachycardia. Identifiers: Orphanet 3286, MedGen C1631597, MONDO:0011484, OMIM 604772.

Allele frequency attached by ClinVar (database versions not stated): gnomAD exomes below 0.00001 and 0.00001; gnomAD 0.00001; TOPMed 0.00003; ExAC 0.00004.
gnomAD v4.1: 3 of 1,527,198 alleles (0.0002%); highest among the groups gnomAD compares: African/African-American, 0.0028%; no homozygotes.

Submissions (2):

Ambry Genetics
Classification: Uncertain significance for Cardiovascular phenotype. Last evaluated: 2025-05-06. Review status: criteria provided, single submitter. Criteria: Ambry Variant Classification Scheme 2023. Collection method: clinical testing. Allele origin: germline.
Comment: The p.P417A variant (also known as c.1249C>G), located in coding exon 19 of the TRDN gene, results from a C to G substitution at nucleotide position 1249. The proline at codon 417 is replaced by alanine, an amino acid with highly similar properties. This amino acid position is conserved. In addition, this alteration is predicted to be tolerated by in silico analysis. Since supporting evidence is limited at this time, the clinical significance of this alteration remains unclear.

Labcorp Genetics (formerly Invitae), Labcorp
Classification: Uncertain significance for Catecholaminergic polymorphic ventricular tachycardia 1. Last evaluated: 2025-03-03. Review status: criteria provided, single submitter. Criteria: Invitae Variant Classification Sherloc (09022015). Collection method: clinical testing. Allele origin: germline.
Comment: This sequence change replaces proline, which is neutral and non-polar, with alanine, which is neutral and non-polar, at codon 417 of the TRDN protein (p.Pro417Ala). The frequency data for this variant in the population databases is considered unreliable, as metrics indicate poor data quality at this position in the gnomAD database. This variant has not been reported in the literature in individuals affected with TRDN-related conditions. ClinVar contains an entry for this variant (Variation ID: 1010343). An algorithm developed to predict the effect of missense changes on protein structure and function outputs the following: PolyPhen-2: "Possibly Damaging". The alanine amino acid residue is found in multiple mammalian species, which suggests that this missense change does not adversely affect protein function. In summary, the available evidence is currently insufficient to determine the role of this variant in disease. Therefore, it has been classified as a Variant of Uncertain Significance.

NM_006073.4(TRDN):c.1249C>G (p.Pro417Ala)

Gene: TRDN (triadin; minus strand). Cytogenetic location: 6q22.31.
Variant type: single nucleotide variant.
Coding change: c.1249C>G on transcript NM_006073.4 (MANE Select); coding-DNA position 1249, C replaced by G.
Protein change: p.Pro417Ala; replaces proline 417 with alanine.
Molecular consequence: missense variant.
Genome position (GRCh38, 1-based): chr6:123,375,629, G>C on the plus strand (C>G on the coding strand, the complement: TRDN is on the minus strand). VCF-style: chr6-123375629-G-C. GRCh37 (hg19) VCF-style: chr6-123696774-G-C.
Other names: c.1252C>G, p.Pro418Ala (NM_001251987.2); short protein forms P417A, P418A.
Identifiers: ClinVar variation 1010343 (VCV001010343.12), dbSNP rs773700571, ClinGen allele CA3984033.
Genomic context (GRCh38, chr6:123,375,629, plus strand): 5'-AAATATGCTCTTCTTTAAAAATTTTGTTCAACATACTTGCTTTTACTTGTTTGTCACTTG[G>C]AACTGTTAATGACAAGAAATAATAAGGTCAACAGTAATTACAAATCTGCTTATCTCTTTC-3'
Protein context (NP_006064.2, residues 407-427): AKSPKKEHSV[Pro417Ala]SDKQVKAKTE